The following is an entry in ClinVar:

ClinVar aggregate classification (germline): Uncertain significance (1 of 4 stars; one submission).

Conditions:
WDPCP-related disorder. Also called: WDPCP-related condition.

Submission:

PreventionGenetics, part of Exact Sciences
Classification: Uncertain significance for WDPCP-related condition. Last evaluated: 2025-07-29. Review status: criteria provided, single submitter. Criteria: ACMG Guidelines, 2015. Collection method: clinical testing. Allele origin: germline.
Comment: The WDPCP c.2091C>T variant is not predicted to result in an amino acid change (p.=). One splicing algorithm indicates that this variant may impact splicing (Jaganathan et al. 2019. PubMed ID: 30661751). To our knowledge, this variant has not been reported in the literature or in a large population database (gnomAD), indicating this variant is rare. At this time, the clinical significance of this variant is uncertain due to the absence of conclusive functional and genetic evidence.

NM_015910.7(WDPCP):c.2091C>T (p.Asp697=)

Gene: WDPCP (WD repeat containing planar cell polarity effector; minus strand). Cytogenetic location: 2p15.
Variant type: single nucleotide variant.
Coding change: c.2091C>T on transcript NM_015910.7 (MANE Select); coding-DNA position 2091, C replaced by T.
Protein change: p.Asp697=; no amino-acid change (aspartic acid 697 retained).
Molecular consequence: synonymous variant. On other transcripts: non-coding transcript variant (3).
Genome position (GRCh38, 1-based): chr2:63,153,562, G>A on the plus strand (C>T on the coding strand, the complement: WDPCP is on the minus strand). VCF-style: chr2-63153562-G-A. GRCh37 (hg19) VCF-style: chr2-63380697-G-A.
Other names: c.1614C>T, p.Asp538= (NM_001042692.3); c.2019C>T, p.Asp673= (NM_001354044.2).
Identifiers: ClinVar variation 5002321 (VCV005002321.1).